The following is an entry in ClinVar:

ClinVar aggregate classification (germline): Uncertain significance (1 of 4 stars; one submission).

Conditions:
Erythrocytosis, familial, 3 (ECYT3). Identifiers: Orphanet 247511, MedGen C1853286, MONDO:0012353, OMIM 609820.

Submission:

Labcorp Genetics (formerly Invitae), Labcorp
Classification: Uncertain significance for Erythrocytosis, familial, 3. Last evaluated: 2025-11-06. Review status: criteria provided, single submitter. Criteria: Invitae Variant Classification Sherloc (09022015). Collection method: clinical testing. Allele origin: germline.
Comment: This sequence change replaces lysine, which is basic and polar, with asparagine, which is neutral and polar, at codon 291 of the EGLN1 protein (p.Lys291Asn). This variant is not present in population databases (gnomAD no frequency). This variant has not been reported in the literature in individuals affected with EGLN1-related conditions. An algorithm developed to predict the effect of missense changes on protein structure and function (PolyPhen-2) suggests that this variant is likely to be tolerated. In summary, the available evidence is currently insufficient to determine the role of this variant in disease. Therefore, it has been classified as a Variant of Uncertain Significance.

NM_022051.3(EGLN1):c.873A>C (p.Lys291Asn)

Genes: EGLN1 (egl-9 family hypoxia inducible factor 1; minus strand), LOC129932769 (ATAC-STARR-seq lymphoblastoid active region 2730; plus strand). Cytogenetic location: 1q42.2.
Variant type: single nucleotide variant.
Coding change: c.873A>C on transcript NM_022051.3 (MANE Select); coding-DNA position 873, A replaced by C.
Protein change: p.Lys291Asn; replaces lysine 291 with asparagine.
Molecular consequence: missense variant.
Genome position (GRCh38, 1-based): chr1:231,421,016, T>G on the plus strand (A>C on the coding strand, the complement: EGLN1 is on the minus strand). VCF-style: chr1-231421016-T-G. GRCh37 (hg19) VCF-style: chr1-231556762-T-G.
Other names: c.873A>C, p.Lys291Asn (NM_001377260.1, NM_001377261.1); short protein forms K291N.
Identifiers: ClinVar variation 4762472 (VCV004762472.1).